The following is an entry in ClinVar:

ClinVar aggregate classification (germline): Pathogenic/Likely pathogenic. Review status: criteria provided, multiple submitters, no conflicts (2 of 4 stars). 3 submissions from 3 submitters: Pathogenic (2); Likely pathogenic (1). Last evaluated 2025-12-02.

Conditions:
Polycystic kidney disease 2 (PKD2). Also called: Polycystic Kidney Disease 2, Autosomal Dominant; POLYCYSTIC KIDNEY DISEASE, ADULT, TYPE II; POLYCYSTIC KIDNEY DISEASE 2 WITH OR WITHOUT POLYCYSTIC LIVER DISEASE. Identifiers: MedGen C2751306, MONDO:0013131, OMIM 613095.

Submissions (3):

Victorian Clinical Genetics Services, Murdoch Childrens Research Institute
Classification: Pathogenic for Polycystic kidney disease 2. Last evaluated: 2025-12-02. Review status: criteria provided, single submitter. Criteria: ACMG Guidelines, 2015. Collection method: clinical testing. Allele origin: germline. Affected: yes.
Comment: This variant is classified as Pathogenic. Evidence in support of pathogenic classification: Variant is predicted to cause nonsense-mediated decay (NMD) and loss of protein (premature termination codon is located at least 54 nucleotides upstream of the final exon-exon junction); Variant is absent from gnomAD (v2, v3 and v4); Other NMD-predicted variant(s) comparable to the one identified in this case have very strong previous evidence for pathogenicity (DECIPHER). Additional information: This variant is heterozygous; This gene is associated with autosomal dominant disease; Loss of function is a known mechanism of disease in this gene and is associated with polycystic kidney disease 2 (MIM#613095); Inheritance information for this variant is not currently available in this individual.

Department of Pathology and Laboratory Medicine, Sinai Health System
Classification: Pathogenic for Polycystic kidney disease 2. Last evaluated: 2022-01-05. Review status: criteria provided, single submitter. Criteria: ACMG Guidelines, 2015. Collection method: clinical testing. Allele origin: germline. Affected: yes.

Molecular Genetics of Inherited Kidney Disorders Laboratory, Garvan Institute of Medical Research
Classification: Likely pathogenic. Last evaluated: 2019-01-01. Review status: criteria provided, single submitter. Criteria: ACMG Guidelines, 2015. Collection method: clinical testing. Allele origin: germline. Affected: yes.

NM_000297.4(PKD2):c.1973del (p.Pro658fs)

Gene: PKD2 (polycystin 2, transient receptor potential cation channel; plus strand). Cytogenetic location: 4q22.1.
Variant type: Deletion.
Coding change: c.1973del on transcript NM_000297.4 (MANE Select); coding-DNA position 1973, one base deleted (C; older notation c.1973delC).
Protein change: p.Pro658fs; shifts the reading frame from proline 658.
Molecular consequence: frameshift variant.
Genome position (GRCh38, 1-based): chr4:88,058,057, C deleted; the last of 2 consecutive C bases (chr4:88,058,056-88,058,057); deleting either gives the same sequence. VCF-style (leftmost placement, unchanged base first): chr4-88058055-AC-A. GRCh37 (hg19) VCF-style: chr4-88979207-AC-A.
Other names: short protein forms P658fs.
Identifiers: ClinVar variation 972820 (VCV000972820.3), dbSNP rs1720429890, ClinGen allele CA1139658180.